The following is an entry in ClinVar:

NM_004006.3(DMD):c.3758G>A (p.Arg1253Lys)

Gene: DMD (dystrophin; minus strand). Cytogenetic location: Xp21.1.
Variant type: single nucleotide variant.
Coding change: c.3758G>A on transcript NM_004006.3 (MANE Select); coding-DNA position 3758, G replaced by A.
Protein change: p.Arg1253Lys; replaces arginine 1253 with lysine.
Molecular consequence: missense variant.
Genome position (GRCh38, 1-based): chrX:32,448,484, C>T on the plus strand (G>A on the coding strand, the complement: DMD is on the minus strand). VCF-style: chrX-32448484-C-T. GRCh37 (hg19) VCF-style: chrX-32466601-C-T.
Other names: c.3734G>A, p.Arg1245Lys (NM_000109.4); c.3746G>A, p.Arg1249Lys (NM_004009.3); c.3389G>A, p.Arg1130Lys (NM_004010.3); short protein forms R1130K, R1245K, R1249K, R1253K.
Identifiers: ClinVar variation 5035370 (VCV005035370.1).

ClinVar aggregate classification (germline): Uncertain significance (1 of 4 stars; one submission).

Conditions:
Cardiovascular phenotype. Identifiers: MedGen CN230736.

gnomAD v4.1: 2 of 1,208,716 alleles (0.00017%); highest among the groups gnomAD compares: Non-Finnish European, 0.00011%; no homozygotes.

Submission:

Ambry Genetics
Classification: Uncertain significance for Cardiovascular phenotype. Last evaluated: 2026-08-16. Review status: criteria provided, single submitter. Criteria: Ambry Variant Classification Scheme 2023. Collection method: clinical testing. Allele origin: germline.
Comment: The p.R1253K variant (also known as c.3758G>A), located in coding exon 27 of the DMD gene, results from a G to A substitution at nucleotide position 3758. The arginine at codon 1253 is replaced by lysine, an amino acid with highly similar properties. This amino acid position is conserved. In addition, the in silico prediction for this alteration is inconclusive. Based on the available evidence, the clinical significance of this variant remains unclear.